The following is an entry in ClinVar:

ClinVar aggregate classification (germline): Uncertain significance. Review status: criteria provided, multiple submitters, no conflicts (2 of 4 stars). 2 submissions from 2 submitters: Uncertain significance (2). Last evaluated 2024-12-02.

Allele frequency attached by ClinVar (database versions not stated): gnomAD 0.00001 and 0.00002; TOPMed 0.00004; gnomAD exomes 0.00005 and 0.00008; ESP Exome Variant Server 0.00008; ExAC 0.00009.
gnomAD v4.1: 73 of 1,613,970 alleles (0.0045%); highest among the groups gnomAD compares: East Asian, 0.036%; no homozygotes.

Submissions (2):

Labcorp Genetics (formerly Invitae), Labcorp
Classification: Uncertain significance. Last evaluated: 2024-12-02. Review status: criteria provided, single submitter. Criteria: Invitae Variant Classification Sherloc (09022015). Collection method: clinical testing. Allele origin: germline.
Comment: This sequence change replaces threonine, which is neutral and polar, with methionine, which is neutral and non-polar, at codon 446 of the DISP1 protein (p.Thr446Met). This variant is present in population databases (rs190037827, gnomAD 0.04%). This variant has not been reported in the literature in individuals affected with DISP1-related conditions. ClinVar contains an entry for this variant (Variation ID: 1450864). An algorithm developed to predict the effect of missense changes on protein structure and function outputs the following: PolyPhen-2: "Benign". The methionine amino acid residue is found in multiple mammalian species, which suggests that this missense change does not adversely affect protein function. In summary, the available evidence is currently insufficient to determine the role of this variant in disease. Therefore, it has been classified as a Variant of Uncertain Significance.

Ambry Genetics
Classification: Uncertain significance. Last evaluated: 2021-08-12. Review status: criteria provided, single submitter. Criteria: Ambry Variant Classification Scheme 2023. Collection method: clinical testing. Allele origin: germline.

NM_001377229.1(DISP1):c.1337C>T (p.Thr446Met)

Gene: DISP1 (dispatched RND transporter family member 1; plus strand). Cytogenetic location: 1q41.
Variant type: single nucleotide variant.
Coding change: c.1337C>T on transcript NM_001377229.1 (MANE Select); coding-DNA position 1337, C replaced by T.
Protein change: p.Thr446Met; replaces threonine 446 with methionine.
Molecular consequence: missense variant.
Genome position (GRCh38, 1-based): chr1:223,002,734, C>T. VCF-style: chr1-223002734-C-T. GRCh37 (hg19) VCF-style: chr1-223176076-C-T.
Other names: c.608C>T, p.Thr203Met (NM_001350630.2); c.1337C>T, p.Thr446Met (NM_001369594.1, NM_001377228.1, NM_032890.5); c.1337C>T (NM_032890.3); short protein forms T446M, T203M.
Identifiers: ClinVar variation 1450864 (VCV001450864.7), dbSNP rs190037827, ClinGen allele CA1409062.